The following is an entry in ClinVar:

ClinVar aggregate classification (germline): Likely pathogenic (1 of 4 stars; one submission).

Conditions:
Bardet-Biedl syndrome 2 (BBS2). Identifiers: Orphanet 110, MedGen C2936863, MONDO:0014432, OMIM 615981.

Submission:

Natera, Inc.
Classification: Likely pathogenic for Bardet-Biedl syndrome type 2. Last evaluated: 2025-11-26. Review status: criteria provided, single submitter. Criteria: Natera Variant Classification Schema (03/2026). Collection method: clinical testing. Allele origin: germline.
Comment: The c.1572_1573del variant in BBS2 is a frameshift variant predicted to shift the reading frame beginning at codon 526 and leads to a stop codon 25 codons downstream. This variant is expected to result in nonsense mediated decay, truncation, or a dysfunctional protein product. This variant is rare in the general population with a frequency below the threshold expected for the associated phenotype(s). Given the available evidence, this variant is classified as Likely Pathogenic.

NM_031885.5(BBS2):c.1572_1573del (p.Ile526fs)

Gene: BBS2 (Bardet-Biedl syndrome 2; minus strand). Cytogenetic location: 16q13.
Variant type: Deletion.
Coding change: c.1572_1573del on transcript NM_031885.5 (MANE Select); coding-DNA positions 1572 to 1573, 2 bases deleted (TC; older notation c.1572_1573delTC).
Protein change: p.Ile526fs; shifts the reading frame from isoleucine 526.
Molecular consequence: frameshift variant. On other transcripts: non-coding transcript variant (5).
Genome position (GRCh38, 1-based): chr16:56,498,523-56,498,524, GA deleted on the plus strand (TC on the coding strand, the reverse complement: BBS2 is on the minus strand); deleting any 2 consecutive bases within chr16:56,498,523-56,498,525 gives the same sequence; the c. name uses the placement nearest the transcript's 3' end. VCF-style (leftmost placement, unchanged base first): chr16-56498522-TGA-T. GRCh37 (hg19) VCF-style: chr16-56532434-TGA-T.
Other names: c.1572_1573del, p.Ile526fs (NM_001377456.1); short protein forms I526fs.
Identifiers: ClinVar variation 4816281 (VCV004816281.1).
Genomic context (GRCh38, chr16:56,498,522, plus strand): 5'-TGCAGGTGGCCGCCATTCCGTAAAGATGTGAAACACACTTGAAATGGAGCATTCTGAATG[TGA>T]GTGTCTTCTGGTAACAGAAAGTTCTGACCGAGCCATACAACAACCTTGAAAATGAACACA-3'